The following is an entry in ClinVar:

NM_001243133.2(NLRP3):c.1000A>G (p.Ile334Val)

Gene: NLRP3 (NLR family pyrin domain containing 3; plus strand). Cytogenetic location: 1q44.
Variant type: single nucleotide variant.
Coding change: c.1000A>G on transcript NM_001243133.2 (MANE Select); coding-DNA position 1000, A replaced by G.
Protein change: p.Ile334Val; replaces isoleucine 334 with valine.
Molecular consequence: missense variant.
Genome position (GRCh38, 1-based): chr1:247,424,449, A>G. VCF-style: chr1-247424449-A-G. GRCh37 (hg19) VCF-style: chr1-247587751-A-G.
Other names: c.1000A>G, p.Ile334Val (NM_001079821.3, NM_001127461.3, NM_001127462.3 and 1 more transcripts); c.1006A>G, p.Ile336Val (NM_004895.5); short protein forms I334V, I336V.
Identifiers: ClinVar variation 934291 (VCV000934291.1), dbSNP rs1662713003, ClinGen allele CA345555883.

ClinVar aggregate classification (germline): Likely pathogenic (1 of 4 stars; one submission).

Conditions:
Cryopyrin associated periodic syndrome (CAPS). Identifiers: Orphanet 208650, MedGen C2316212, MONDO:0016168.

Submission:

Labcorp Genetics (formerly Invitae), Labcorp
Classification: Likely pathogenic for Cryopyrin associated periodic syndrome. Last evaluated: 2019-09-20. Review status: criteria provided, single submitter. Criteria: Invitae Variant Classification Sherloc (09022015). Collection method: clinical testing. Allele origin: germline.
Comment: This sequence change replaces isoleucine with valine at codon 336 of the NLRP3 protein (p.Ile336Val). The isoleucine residue is highly conserved and there is a small physicochemical difference between isoleucine and valine. This variant is not present in population databases (ExAC no frequency). This variant has been observed to occur as somatic mosaic in an individual affected with Muckle-Wells syndrome (PMID: 24326009) and has been observed in the germline of an individual affected with cryopyrin-associated periodic syndrome (PMID: 29047407). This variant is also known as I334V in the literature. This variant has been reported to affect NLRP3 protein function (PMID: 24326009). In summary, the currently available evidence indicates that the variant is pathogenic, but additional data are needed to prove that conclusively. Therefore, this variant has been classified as Likely Pathogenic.

Literature cited by the submitters: PubMed 24326009; PubMed 29047407.